The following is an entry in ClinVar:

ClinVar aggregate classification (germline): Pathogenic/Likely pathogenic. Review status: criteria provided, multiple submitters, no conflicts (2 of 4 stars). 3 submissions from 3 submitters: Pathogenic (2); Likely pathogenic (1). Last evaluated 2025-01-15.

Conditions:
Hereditary cancer-predisposing syndrome. Also called: Tumor predisposition; Hereditary Cancer Syndrome; Hereditary neoplastic syndrome; Neoplastic Syndromes, Hereditary. Identifiers: Orphanet 140162, MedGen C0027672, MeSH D009386, MONDO:0015356.
Hereditary breast ovarian cancer syndrome. Also called: Hereditary breast and/or ovarian cancer syndrome; BRCA1- and BRCA2-Associated Hereditary Breast and Ovarian Cancer; Hereditary breast and ovarian cancer syndrome; Hereditary breast and ovarian cancer; Hereditary breast and ovarian cancer syndrome (HBOC); Breast and ovarian cancer. Identifiers: Orphanet 145, MedGen C0677776, MeSH D061325, MONDO:0003582. Disease mechanism: loss of function.

Submissions (4):

Labcorp Genetics (formerly Invitae), Labcorp
Classification: Pathogenic for Hereditary breast ovarian cancer syndrome. Last evaluated: 2025-01-15. Review status: criteria provided, single submitter. Criteria: Invitae Variant Classification Sherloc (09022015). Collection method: clinical testing. Allele origin: germline.
Comment: This sequence change affects a donor splice site in intron 19 of the BRCA1 gene. RNA analysis indicates that disruption of this splice site induces altered splicing and may result in an absent or altered protein product. This variant is not present in population databases (gnomAD no frequency). This variant has not been reported in the literature in individuals affected with BRCA1-related conditions. ClinVar contains an entry for this variant (Variation ID: 865231). Studies have shown that disruption of this splice site results in activation of a cryptic splice site in intron 19 or skipping of exon 19 (also known as exon 20), and produces a non-functional protein and/or introduces a premature termination codon (PMID: 24667779; internal data). For these reasons, this variant has been classified as Pathogenic.

Revvity Omics, Revvity
Classification: Pathogenic. Last evaluated: 2022-05-04. Review status: criteria provided, single submitter. Criteria: ACMG Guidelines, 2015. Collection method: clinical testing. Allele origin: germline.

Ambry Genetics
Classification: Likely pathogenic for Hereditary cancer-predisposing syndrome. Last evaluated: 2018-09-25. Review status: criteria provided, single submitter. Criteria: Ambry Variant Classification Scheme 2023. Collection method: clinical testing. Allele origin: germline.
Comment: The c.5277+2T>G intronic variant results from a T to G substitution two nucleotides after coding exon 18 in the BRCA1 gene. This nucleotide position is highly conserved in available vertebrate species. Using the BDGP and ESEfinder splice site prediction tools, this alteration is predicted to abolish the native splice donor site; however, direct evidence is unavailable. Alterations that disrupt the canonical splice site are expected to cause aberrant splicing, resulting in an abnormal protein or a transcript that is subject to nonsense-mediated mRNA decay. As such, this alteration is classified as likely pathogenic.

Brotman Baty Institute, University of Washington
No classification provided (evidence only). Condition: Breast-ovarian cancer, familial 1. Review status: no classification provided. Collection method: in vitro. Allele origin: not applicable. Functional consequence: functionally_abnormal. Not counted in ClinVar's aggregate classification.
ClinVar note: "not provided" was previously submitted as the classification for the variant. However, the classification appeared to be based only on an observation of functional data so it was converted to no classification on 2025-07-30.

Literature cited by the submitters: PubMed 24667779 (cited by Labcorp Genetics (formerly Invitae), Labcorp).

NM_007294.4(BRCA1):c.5277+2T>G

Gene: BRCA1 (BRCA1 DNA repair associated; minus strand). Cytogenetic location: 17q21.31.
Variant type: single nucleotide variant.
Coding change: c.5277+2T>G on transcript NM_007294.4 (MANE Select); the canonical splice donor site of the intron after coding-DNA position 5277, T replaced by G.
Molecular consequence: splice donor variant.
Genome position (GRCh38, 1-based): chr17:43,057,050, A>C on the plus strand (T>G on the coding strand, the complement: BRCA1 is on the minus strand). VCF-style: chr17-43057050-A-C. GRCh37 (hg19) VCF-style: chr17-41209067-A-C.
Other names: c.1041+2T>G (NM_001408514.1); c.1755+2T>G (NM_001408485.1, NM_001408483.1, NM_001408484.1 and 5 more transcripts); c.5064+2T>G (NM_001407908.1, NM_001407896.1, NM_001407900.1 and 12 more transcripts); c.5067+2T>G (NM_001407882.1, NM_001407879.1, NM_001407889.1 and 5 more transcripts); c.1839+2T>G (NM_001408447.1, NM_001408450.1, NM_001408448.1 and 2 more transcripts); c.1842+2T>G (NM_001408433.1, NM_001408441.1, NM_001408437.1 and 10 more transcripts); c.5145+2T>G (NM_001407690.1, NM_001407691.1); c.5148+2T>G (NM_001407687.1, NM_001407941.1, NM_001407683.1 and 6 more transcripts); and 72 more.
Identifiers: ClinVar variation 865231 (VCV000865231.10), dbSNP rs2051494815, ClinGen allele CA10590994.